The following is an entry in ClinVar:

ClinVar aggregate classification (germline): Likely benign (0 of 4 stars; one submission).

Conditions:
SSX1-related disorder. Also called: SSX1-related condition.

Allele frequency attached by ClinVar (database versions not stated): ExAC 0.00007; ESP Exome Variant Server 0.00009.
gnomAD v4.1: 304 of 1,209,266 alleles (0.025%); highest among the groups gnomAD compares: Non-Finnish European, 0.032%; no homozygotes.

Submission:

PreventionGenetics, part of Exact Sciences
Classification: Likely benign for SSX1-related condition. Last evaluated: 2019-04-29. Review status: no assertion criteria provided. Collection method: clinical testing. Allele origin: germline.
Comment: This variant is classified as likely benign based on ACMG/AMP sequence variant interpretation guidelines (Richards et al. 2015 PMID: 25741868, with internal and published modifications).

NM_005635.4(SSX1):c.281-10T>C

Gene: SSX1 (SSX family member 1; plus strand). Cytogenetic location: Xp11.23.
Variant type: single nucleotide variant.
Coding change: c.281-10T>C on transcript NM_005635.4 (MANE Select); 10 bases into the intron before coding-DNA position 281, T replaced by C.
Molecular consequence: intron variant.
Genome position (GRCh38, 1-based): chrX:48,261,756, T>C. VCF-style: chrX-48261756-T-C. GRCh37 (hg19) VCF-style: chrX-48121191-T-C.
Other names: c.281-10T>C (NM_001278691.2).
Identifiers: ClinVar variation 3059139 (VCV003059139.2), dbSNP rs374281371, ClinGen allele CA10401348.
Genomic context (GRCh38, chrX:48,261,756, plus strand): 5'-GCAACGGAAGTCTCTCCAGAGTTTGGAAATCTTTACCAACAAAGAAAAATTCTGATGTGT[T>C]CTCTTTCAGTTGAACATCCTCAGATGACTTTCGGCAGGCTCCACAGAATCATCCCGAAGG-3'